The following is an entry in ClinVar:

ClinVar aggregate classification (germline): Uncertain significance (1 of 4 stars; one submission).

Conditions:
Pilarowski-Bjornsson syndrome. Also called: DEVELOPMENTAL DELAY AND SPEECH APRAXIA WITH OR WITHOUT SEIZURES. Identifiers: Orphanet 529965, MedGen C4540131, MONDO:0060568, OMIM 617682.

Submission:

Juno Genomics, Hangzhou Juno Genomics, Inc
Classification: Uncertain significance for Pilarowski-Bjornsson syndrome. Review status: criteria provided, single submitter. Criteria: ACMG Guidelines, 2015. Collection method: clinical testing. Allele origin: germline.
Comment: Absent from controls (or at extremely low frequency if recessive) in Genome Aggregation Database.;Missense variant in a gene that has a low rate of benign missense variation.;Multiple lines of computational evidence support a deleterious effect on the gene or gene product.

NM_001270.4(CHD1):c.1570T>C (p.Phe524Leu)

Gene: CHD1 (chromodomain helicase DNA binding protein 1; minus strand). Cytogenetic location: 5q15.
Variant type: single nucleotide variant.
Coding change: c.1570T>C on transcript NM_001270.4 (MANE Select); coding-DNA position 1570, T replaced by C.
Protein change: p.Phe524Leu; replaces phenylalanine 524 with leucine.
Molecular consequence: missense variant. On other transcripts: non-coding transcript variant (2).
Genome position (GRCh38, 1-based): chr5:98,896,366, A>G on the plus strand (T>C on the coding strand, the complement: CHD1 is on the minus strand). VCF-style: chr5-98896366-A-G. GRCh37 (hg19) VCF-style: chr5-98232070-A-G.
Other names: c.1570T>C, p.Phe524Leu (NM_001364113.3, NM_001376194.2); short protein forms F524L.
Identifiers: ClinVar variation 5019618 (VCV005019618.2).